The following is an entry in ClinVar:

ClinVar aggregate classification (germline): Uncertain significance. Review status: criteria provided, multiple submitters, no conflicts (2 of 4 stars). 2 submissions from 2 submitters: Uncertain significance (2). Last evaluated 2022-11-02.

Conditions:
Inborn genetic diseases. Identifiers: MedGen C0950123, MeSH D030342.
Brachyolmia-amelogenesis imperfecta syndrome. Also called: PLATYSPONDYLY WITH AMELOGENESIS IMPERFECTA; Tooth agenesis, selective, 6; Dental anomalies and short stature. Identifiers: Orphanet 2899, MedGen C1832594, MONDO:0011018, OMIM 601216. Disease mechanism: loss of function.

Allele frequency attached by ClinVar (database versions not stated): gnomAD 0.00001.
gnomAD v4.1: 10 of 1,514,444 alleles (0.00066%); highest among the groups gnomAD compares: East Asian, 0.0026%; no homozygotes.

Submissions (2):

Labcorp Genetics (formerly Invitae), Labcorp
Classification: Uncertain significance for Brachyolmia-amelogenesis imperfecta syndrome. Last evaluated: 2022-11-02. Review status: criteria provided, single submitter. Criteria: Invitae Variant Classification Sherloc (09022015). Collection method: clinical testing. Allele origin: germline.
Comment: The frequency data for this variant in the population databases is considered unreliable, as metrics indicate poor data quality at this position in the gnomAD database. This sequence change replaces proline, which is neutral and non-polar, with leucine, which is neutral and non-polar, at codon 1132 of the LTBP3 protein (p.Pro1132Leu). This variant has not been reported in the literature in individuals affected with LTBP3-related conditions. In summary, the available evidence is currently insufficient to determine the role of this variant in disease. Therefore, it has been classified as a Variant of Uncertain Significance. Algorithms developed to predict the effect of missense changes on protein structure and function are either unavailable or do not agree on the potential impact of this missense change (SIFT: "Deleterious"; PolyPhen-2: "Benign"; Align-GVGD: "Class C0").

Ambry Genetics
Classification: Uncertain significance for Inborn genetic diseases. Last evaluated: 2021-08-22. Review status: criteria provided, single submitter. Criteria: Ambry Variant Classification Scheme 2023. Collection method: clinical testing. Allele origin: germline.
Comment: The p.P1132L variant (also known as c.3395C>T), located in coding exon 25 of the LTBP3 gene, results from a C to T substitution at nucleotide position 3395. The proline at codon 1132 is replaced by leucine, an amino acid with similar properties. This amino acid position is conserved. In addition, the in silico prediction for this alteration is inconclusive. Since supporting evidence is limited at this time, the clinical significance of this alteration remains unclear.

NM_001130144.3(LTBP3):c.3395C>T (p.Pro1132Leu)

Genes: LTBP3 (latent transforming growth factor beta binding protein 3; minus strand), LOC130006027 (ATAC-STARR-seq lymphoblastoid silent region 3530; plus strand). Cytogenetic location: 11q13.1.
Variant type: single nucleotide variant.
Coding change: c.3395C>T on transcript NM_001130144.3 (MANE Select); coding-DNA position 3395, C replaced by T.
Protein change: p.Pro1132Leu; replaces proline 1132 with leucine.
Molecular consequence: missense variant.
Genome position (GRCh38, 1-based): chr11:65,539,872, G>A on the plus strand (C>T on the coding strand, the complement: LTBP3 is on the minus strand). VCF-style: chr11-65539872-G-A. GRCh37 (hg19) VCF-style: chr11-65307343-G-A.
Other names: c.2903C>T, p.Pro968Leu (NM_001164266.1); c.3254C>T, p.Pro1085Leu (NM_021070.4); short protein forms P968L, P1132L, P1085L.
Identifiers: ClinVar variation 1730941 (VCV001730941.5), dbSNP rs1220739417, ClinGen allele CA381266972.
Genomic context (GRCh38, chr11:65,539,872, plus strand): 5'-AGGGGGCCAGCGCACATGCCGTCCTCTCCGCGCTGGCTCCAGCACACGTCGCGCCGCTCC[G>A]GGGCACGCTCTGCGGAAGACACCTGGCATCAGGGGAGGGGCCCAAGGCAGGAACCGCCCG-3'
Protein context (NP_001123616.1, residues 1122-1142): QLPESPAERA[Pro1132Leu]ERRDVCWSQR